The following is an entry in ClinVar:

NM_006831.3(CLP1):c.898C>T (p.Arg300Cys)

Gene: CLP1 (cleavage factor polyribonucleotide kinase subunit 1; plus strand). Cytogenetic location: 11q12.1.
Variant type: single nucleotide variant.
Coding change: c.898C>T on transcript NM_006831.3 (MANE Select); coding-DNA position 898, C replaced by T.
Protein change: p.Arg300Cys; replaces arginine 300 with cysteine.
Molecular consequence: missense variant.
Genome position (GRCh38, 1-based): chr11:57,661,056, C>T. VCF-style: chr11-57661056-C-T. GRCh37 (hg19) VCF-style: chr11-57428528-C-T.
Other names: c.706C>T, p.Arg236Cys (NM_001142597.2); short protein forms R300C, R236C.
Identifiers: ClinVar variation 380076 (VCV000380076.14), dbSNP rs150146614, ClinGen allele CA6008602.

ClinVar aggregate classification (germline): Conflicting classifications of pathogenicity. Review status: criteria provided, conflicting classifications (1 of 4 stars). 4 submissions from 4 submitters: Uncertain significance (1); Likely benign (3). Last evaluated 2026-01-19.

Conditions:
CLP1-related disorder. Also called: CLP1-related condition.
Inborn genetic diseases. Identifiers: MedGen C0950123, MeSH D030342.

Allele frequency attached by ClinVar (database versions not stated): ESP Exome Variant Server 0.00015; ExAC 0.00023; gnomAD 0.00023 and 0.00027; gnomAD exomes 0.00029 and 0.00034; TOPMed 0.00029.
gnomAD v4.1: 552 of 1,614,192 alleles (0.034%); highest among the groups gnomAD compares: Middle Eastern, 0.43%; 4 homozygotes.

Submissions (4):

Labcorp Genetics (formerly Invitae), Labcorp
Classification: Likely benign. Last evaluated: 2026-01-19. Review status: criteria provided, single submitter. Criteria: Invitae Variant Classification Sherloc (09022015). Collection method: clinical testing. Allele origin: germline.

PreventionGenetics, part of Exact Sciences
Classification: Likely benign for CLP1-related condition. Last evaluated: 2025-12-10. Review status: criteria provided, single submitter. Criteria: ACMG Guidelines, 2015. Collection method: clinical testing. Allele origin: germline.
Comment: This variant is classified as likely benign based on ACMG/AMP sequence variant interpretation guidelines (Richards et al. 2015 PMID: 25741868, with internal and published modifications).

Ambry Genetics
Classification: Uncertain significance for Inborn genetic diseases. Last evaluated: 2021-10-01. Review status: criteria provided, single submitter. Criteria: Ambry Variant Classification Scheme 2023. Collection method: clinical testing. Allele origin: germline.

GeneDx
Classification: Likely benign. Last evaluated: 2018-05-01. Review status: criteria provided, single submitter. Criteria: GeneDx Variant Classification Process June 2021. Collection method: clinical testing. Allele origin: germline. Affected: yes.